The following is an entry in ClinVar:

ClinVar aggregate classification (germline): Uncertain significance. Review status: criteria provided, multiple submitters, no conflicts (2 of 4 stars). 2 submissions from 2 submitters: Uncertain significance (2). Last evaluated 2025-05-05.

Allele frequency attached by ClinVar (database versions not stated): gnomAD exomes below 0.00001 and 0.00001; TOPMed 0.00001.
gnomAD v4.1: 14 of 1,613,950 alleles (0.00087%); highest among the groups gnomAD compares: Non-Finnish European, 0.0011%; no homozygotes.

Submissions (2):

Ambry Genetics
Classification: Uncertain significance. Last evaluated: 2025-05-05. Review status: criteria provided, single submitter. Criteria: Ambry Variant Classification Scheme 2023. Collection method: clinical testing. Allele origin: germline.

Labcorp Genetics (formerly Invitae), Labcorp
Classification: Uncertain significance. Last evaluated: 2025-04-01. Review status: criteria provided, single submitter. Criteria: Invitae Variant Classification Sherloc (09022015). Collection method: clinical testing. Allele origin: germline.
Comment: This sequence change replaces asparagine, which is neutral and polar, with serine, which is neutral and polar, at codon 105 of the MMP13 protein (p.Asn105Ser). This variant is present in population databases (no rsID available, gnomAD 0.003%). This variant has not been reported in the literature in individuals affected with MMP13-related conditions. ClinVar contains an entry for this variant (Variation ID: 1507065). Invitae Evidence Modeling of protein sequence and biophysical properties (such as structural, functional, and spatial information, amino acid conservation, physicochemical variation, residue mobility, and thermodynamic stability) indicates that this missense variant is not expected to disrupt MMP13 protein function with a negative predictive value of 80%. In summary, the available evidence is currently insufficient to determine the role of this variant in disease. Therefore, it has been classified as a Variant of Uncertain Significance.

NM_002427.4(MMP13):c.314A>G (p.Asn105Ser)

Genes: MMP13 (matrix metallopeptidase 13; minus strand), LOC126861318 (BRD4-independent group 4 enhancer GRCh37_chr11:102825894-102827093; plus strand). Cytogenetic location: 11q22.2.
Variant type: single nucleotide variant.
Coding change: c.314A>G on transcript NM_002427.4 (MANE Select); coding-DNA position 314, A replaced by G.
Protein change: p.Asn105Ser; replaces asparagine 105 with serine.
Molecular consequence: missense variant.
Genome position (GRCh38, 1-based): chr11:102,955,300, T>C on the plus strand (A>G on the coding strand, the complement: MMP13 is on the minus strand). VCF-style: chr11-102955300-T-C. GRCh37 (hg19) VCF-style: chr11-102826029-T-C.
Other names: c.314A>G (NM_002427.3); short protein forms N105S.
Identifiers: ClinVar variation 1507065 (VCV001507065.8), dbSNP rs1425186214, ClinGen allele CA382232223.